The following is an entry in ClinVar:

ClinVar aggregate classification (germline): Conflicting classifications of pathogenicity. Review status: criteria provided, conflicting classifications (1 of 4 stars). 4 submissions from 4 submitters: Uncertain significance (3); Likely benign (1). Last evaluated 2025-10-01.

Conditions:
Familial prostate cancer. Also called: Hereditary Prostate Cancer. Identifiers: MedGen C2931456, MONDO:0700275, OMIM 176807.
Hereditary breast ovarian cancer syndrome. Also called: Hereditary breast and/or ovarian cancer syndrome; Hereditary breast and ovarian cancer syndrome; Hereditary breast and ovarian cancer syndrome (HBOC); BRCA1- and BRCA2-Associated Hereditary Breast and Ovarian Cancer; Hereditary breast and ovarian cancer; Breast and ovarian cancer. Identifiers: Orphanet 145, MedGen C0677776, MeSH D061325, MONDO:0003582. Disease mechanism: loss of function.
Hereditary cancer-predisposing syndrome. Also called: Hereditary Cancer Syndrome; Hereditary neoplastic syndrome; Neoplastic Syndromes, Hereditary; Tumor predisposition. Identifiers: Orphanet 140162, MedGen C0027672, MeSH D009386, MONDO:0015356.

Allele frequency attached by ClinVar (database versions not stated): gnomAD 0.00001.
gnomAD v4.1: 1 of 1,614,018 alleles (0.000062%); no homozygotes.

Submissions (4):

Labcorp Genetics (formerly Invitae), Labcorp
Classification: Uncertain significance for Hereditary breast ovarian cancer syndrome. Last evaluated: 2025-10-01. Review status: criteria provided, single submitter. Criteria: Invitae Variant Classification Sherloc (09022015). Collection method: clinical testing. Allele origin: germline.
Comment: This sequence change replaces serine, which is neutral and polar, with threonine, which is neutral and polar, at codon 3252 of the BRCA2 protein (p.Ser3252Thr). This variant is not present in population databases (gnomAD no frequency). This variant has not been reported in the literature in individuals affected with BRCA2-related conditions. ClinVar contains an entry for this variant (Variation ID: 801129). Invitae Evidence Modeling of protein sequence and biophysical properties (such as structural, functional, and spatial information, amino acid conservation, physicochemical variation, residue mobility, and thermodynamic stability) indicates that this missense variant is not expected to disrupt BRCA2 protein function with a negative predictive value of 95%. In summary, the available evidence is currently insufficient to determine the role of this variant in disease. Therefore, it has been classified as a Variant of Uncertain Significance.

Department of Pathology and Laboratory Medicine, Sinai Health System
Classification: Likely benign for Familial prostate cancer. Last evaluated: 2025-02-06. Review status: criteria provided, single submitter. Criteria: ACMG Guidelines, 2015. Collection method: clinical testing. Allele origin: germline. Affected: yes.

Ambry Genetics
Classification: Uncertain significance for Hereditary cancer-predisposing syndrome. Last evaluated: 2024-03-24. Review status: criteria provided, single submitter. Criteria: Ambry Variant Classification Scheme 2023. Collection method: clinical testing. Allele origin: germline.
Comment: The p.S3252T variant (also known as c.9754T>A), located in coding exon 26 of the BRCA2 gene, results from a T to A substitution at nucleotide position 9754. The serine at codon 3252 is replaced by threonine, an amino acid with similar properties. This amino acid position is not well conserved in available vertebrate species. In addition, this alteration is predicted to be tolerated by in silico analysis. Since supporting evidence is limited at this time, the clinical significance of this alteration remains unclear.

Quest Diagnostics Nichols Institute San Juan Capistrano
Classification: Uncertain significance. Last evaluated: 2019-01-17. Review status: criteria provided, single submitter. Criteria: Quest Diagnostics criteria. Collection method: clinical testing. Allele origin: germline.

NM_000059.4(BRCA2):c.9754T>A (p.Ser3252Thr)

Gene: BRCA2 (BRCA2 DNA repair associated; plus strand). Cytogenetic location: 13q13.1.
Variant type: single nucleotide variant.
Coding change: c.9754T>A on transcript NM_000059.4 (MANE Select); coding-DNA position 9754, T replaced by A.
Protein change: p.Ser3252Thr; replaces serine 3252 with threonine.
Molecular consequence: missense variant.
Genome position (GRCh38, 1-based): chr13:32,398,267, T>A. VCF-style: chr13-32398267-T-A. GRCh37 (hg19) VCF-style: chr13-32972404-T-A.
Other names: short protein forms S3252T.
Identifiers: ClinVar variation 801129 (VCV000801129.11), dbSNP rs1060502467, ClinGen allele CA387765710.